The following is an entry in ClinVar:

ClinVar aggregate classification (germline): Pathogenic. Review status: criteria provided, multiple submitters, no conflicts (2 of 4 stars). 11 submissions from 11 submitters: Pathogenic (9). 2 of the submissions do not count toward it. Last evaluated 2025-12-30.

Conditions:
Gastric cancer. Also called: Stomach cancer; Malignant tumor of stomach. Identifiers: MedGen C0024623, MeSH D013274, MONDO:0001056, OMIM 613659, HP:0012126.
Malignant tumor of urinary bladder. Also called: Bladder cancer; Urinary Bladder Neoplasms; Urinary bladder cancer. Identifiers: MedGen C0005684, MONDO:0001187, OMIM 109800.
Hereditary cancer-predisposing syndrome. Also called: Neoplastic Syndromes, Hereditary; Hereditary neoplastic syndrome; Hereditary Cancer Syndrome; Tumor predisposition. Identifiers: Orphanet 140162, MedGen C0027672, MeSH D009386, MONDO:0015356.
Neurofibromatosis, type 1 (NF1). Also called: VON RECKLINGHAUSEN DISEASE; NEUROFIBROMATOSIS, TYPE I, SOMATIC; Neurofibromatosis, type I; Peripheral type neurofibromatosis. Identifiers: Orphanet 636, MedGen C0027831, MONDO:0018975, OMIM 162200. Disease mechanism: loss of function.
Neurofibromatosis, familial spinal (FSNF). Identifiers: Orphanet 636, MedGen C1834235, MONDO:0008078, OMIM 162210. Disease mechanism: loss of function.
Neurofibromatosis-Noonan syndrome (NFNS). Also called: NEUROFIBROMATOSIS WITH NOONAN PHENOTYPE. Identifiers: Orphanet 638, MedGen C2931482, MONDO:0011035, OMIM 601321. Disease mechanism: loss of function.
Café-au-lait macules with pulmonary stenosis (WTSN). Also called: PULMONIC STENOSIS WITH CAFE-AU-LAIT SPOTS. Identifiers: MedGen C0553586, MONDO:0008672, OMIM 193520.
Juvenile myelomonocytic leukemia (JMML). Also called: LEUKEMIA, JUVENILE MYELOMONOCYTIC, SOMATIC. Identifiers: Orphanet 86834, MedGen C0349639, MONDO:0011908, OMIM 607785, HP:0012209.

Submissions (11):

Labcorp Genetics (formerly Invitae), Labcorp
Classification: Pathogenic for Neurofibromatosis, type 1. Last evaluated: 2025-12-30. Review status: criteria provided, single submitter. Criteria: Invitae Variant Classification Sherloc (09022015). Collection method: clinical testing. Allele origin: germline.
Comment: This sequence change creates a premature translational stop signal (p.Gln963*) in the NF1 gene. It is expected to result in an absent or disrupted protein product. Loss-of-function variants in NF1 are known to be pathogenic (PMID: 10712197, 23913538). This variant is not present in population databases (gnomAD no frequency). This premature translational stop signal has been observed in individual(s) with neurofibromatosis type 1 (PMID: 10862084). ClinVar contains an entry for this variant (Variation ID: 233495). Algorithms developed to predict the effect of sequence changes on RNA splicing suggest that this variant may disrupt the consensus splice site. For these reasons, this variant has been classified as Pathogenic.

NHS Central & South Genomic Laboratory Hub
Classification: Pathogenic for Neurofibromatosis type 1. Last evaluated: 2025-04-09. Review status: criteria provided, single submitter. Criteria: ACMG Guidelines, 2015. Collection method: clinical testing. Allele origin: germline. Affected: yes.

GeneDx
Classification: Pathogenic. Last evaluated: 2024-05-21. Review status: criteria provided, single submitter. Criteria: GeneDx Variant Classification Process June 2021. Collection method: clinical testing. Allele origin: germline. Affected: yes.
Comment: Nonsense variant predicted to result in protein truncation or nonsense mediated decay in a gene for which loss of function is a known mechanism of disease; Not observed at significant frequency in large population cohorts (gnomAD); This variant is associated with the following publications: (PMID: 25525159, 10712197, 36243179, 36988593, 23913538, 10862084, 31370276)

Dasa
Classification: Pathogenic for Neurofibromatosis, type 1. Last evaluated: 2022-11-03. Review status: criteria provided, single submitter. Criteria: ACMG Guidelines, 2015. Collection method: clinical testing. Allele origin: germline. Affected: yes. Observed: 1 variant allele.
Comment: The c.2887C>T;p.(Gln963*) variant creates a premature translational stop signal in the NF1 gene. It is expected to result in an absent or disrupted protein product - PVS1. This sequence change has been observed in affected individual(s) and ClinVar contains an entry for this variant (ClinVar ID: 233495; PMID: 10862084; 31370276) - PS4. This variant is not present in population databases (rs876660444, gnomAD; ABraOM no frequency) - PM2. In summary, the currently available evidence indicates that the variant is pathogenic.

Genome-Nilou Lab
Classification: Pathogenic for Neurofibromatosis, type 1. Last evaluated: 2022-03-15. Review status: criteria provided, single submitter. Criteria: ACMG Guidelines, 2015. Collection method: clinical testing. Allele origin: germline. Affected: no.

Revvity Omics, Revvity
Classification: Pathogenic. Last evaluated: 2019-11-30. Review status: criteria provided, single submitter. Criteria: ACMG Guidelines, 2015. Collection method: clinical testing. Allele origin: germline.

Center for Human Genetics, Inc
Classification: Pathogenic for Neurofibromatosis, type 1. Last evaluated: 2016-11-01. Review status: criteria provided, single submitter. Criteria: ACMG Guidelines, 2015. Collection method: clinical testing. Allele origin: germline. Affected: yes.

Ambry Genetics
Classification: Pathogenic for Hereditary cancer-predisposing syndrome. Last evaluated: 2015-08-18. Review status: criteria provided, single submitter. Criteria: Ambry Autosomal Dominant and X-Linked criteria (10/2015). Collection method: clinical testing. Allele origin: germline. Observed: 1 variant allele.
Comment: The p.Q963* pathogenic mutation (also known as c.2887C>T), located in coding exon 22 of the NF1 gene, results from a C to T substitution at nucleotide position 2887. This changes the amino acid from a glutamine to a stop codon within coding exon 22. This mutation was reported in an individual who fulfilled NIH consensus criteria for neurofibromatosistype1 (Messiaen LM, et al. Hum. Mutat. 2000;15(6):541-55). In addition to the clinical data presented in the literature, since premature stop codons are typically deleterious in nature, this alteration is interpreted as a disease-causing mutation (ACMG Recommendations for Standards for Interpretation and Reporting of Sequence Variations. Revision 2007. Genet Med. 2008;10:294).

Juno Genomics, Hangzhou Juno Genomics, Inc
Classification: Pathogenic for Neurofibromatosis, type 1; Juvenile myelomonocytic leukemia; Neurofibromatosis, familial spinal; Neurofibromatosis-Noonan syndrome; Café-au-lait macules with pulmonary stenosis. Review status: criteria provided, single submitter. Criteria: ACMG Guidelines, 2015. Collection method: clinical testing. Allele origin: germline. Affected: yes.
Comment: Absent from controls (or at extremely low frequency if recessive) in Genome Aggregation Database, Exome Sequencing Project, 1000 Genomes Project, or Exome Aggregation Consortium.;Null variant in a gene where loss of function (LOF) is a known mechanism of disease.;The prevalence of the variant in affected individuals is significantly increased compared to the prevalence in controls.;Patient's phenotype or family history is highly specific for a disease with a single genetic etiology.;Assumed de novo, but without confirmation of paternity and maternity.

Laboratory for Genotyping Development, RIKEN
Classification: Pathogenic for Gastric cancer. Last evaluated: 2021-07-01. Review status: no assertion criteria provided. Collection method: research. Allele origin: germline. Not counted in ClinVar's aggregate classification.

Laboratory of Urology, Hospital Clinic de Barcelona
Classification: Pathogenic for Malignant tumor of urinary bladder. Review status: no assertion criteria provided. Collection method: research. Allele origin: somatic. Affected: yes. Not counted in ClinVar's aggregate classification.

Literature cited by the submitters: PubMed 10712197 (cited by Labcorp Genetics (formerly Invitae), Labcorp); PubMed 23913538 (cited by Labcorp Genetics (formerly Invitae), Labcorp); PubMed 10862084 (cited by Labcorp Genetics (formerly Invitae), Labcorp and Dasa); PubMed 31370276 (cited by Dasa); PubMed 36988593 (cited by Laboratory for Genotyping Development, RIKEN).

NM_001042492.3(NF1):c.2887C>T (p.Gln963Ter)

Gene: NF1 (neurofibromin 1; plus strand). Cytogenetic location: 17q11.2.
Variant type: single nucleotide variant.
Coding change: c.2887C>T on transcript NM_001042492.3 (MANE Select); coding-DNA position 2887, C replaced by T.
Protein change: p.Gln963Ter; replaces glutamine 963 with a stop codon.
Molecular consequence: nonsense.
Genome position (GRCh38, 1-based): chr17:31,229,871, C>T. VCF-style: chr17-31229871-C-T. GRCh37 (hg19) VCF-style: chr17-29556889-C-T.
Other names: c.2887C>T, p.Gln963Ter (NM_000267.4); short protein forms Q963*.
Identifiers: ClinVar variation 233495 (VCV000233495.36), dbSNP rs876660444, ClinGen allele CA10580267.
Genomic context (GRCh38, chr17:31,229,871, plus strand): 5'-TTAATGTATTTGTTCTTTCTTTAGGTTTTATTGACTGATACCAATACTCAATTTGTAGAA[C>T]AAACCATAGCTATAATGAAGAACTTGCTAGATAATCATACTGAAGGCAGCTCTGAACATC-3'